The following is an entry in ClinVar:

ClinVar aggregate classification (germline): Uncertain significance (1 of 4 stars; one submission).

Submission:

Labcorp Genetics (formerly Invitae), Labcorp
Classification: Uncertain significance. Last evaluated: 2022-09-05. Review status: criteria provided, single submitter. Criteria: Invitae Variant Classification Sherloc (09022015). Collection method: clinical testing. Allele origin: germline.
Comment: In summary, the available evidence is currently insufficient to determine the role of this variant in disease. Therefore, it has been classified as a Variant of Uncertain Significance. Algorithms developed to predict the effect of missense changes on protein structure and function are either unavailable or do not agree on the potential impact of this missense change (SIFT: "Deleterious"; PolyPhen-2: "Probably Damaging"; Align-GVGD: "Class C0"). This variant has not been reported in the literature in individuals affected with DCHS1-related conditions. This variant is not present in population databases (gnomAD no frequency). This sequence change replaces leucine, which is neutral and non-polar, with proline, which is neutral and non-polar, at codon 598 of the DCHS1 protein (p.Leu598Pro).

NM_003737.4(DCHS1):c.1793T>C (p.Leu598Pro)

Gene: DCHS1 (dachsous cadherin-related 1; minus strand). Cytogenetic location: 11p15.4.
Variant type: single nucleotide variant.
Coding change: c.1793T>C on transcript NM_003737.4 (MANE Select); coding-DNA position 1793, T replaced by C.
Protein change: p.Leu598Pro; replaces leucine 598 with proline.
Molecular consequence: missense variant.
Genome position (GRCh38, 1-based): chr11:6,639,821, A>G on the plus strand (T>C on the coding strand, the complement: DCHS1 is on the minus strand). VCF-style: chr11-6639821-A-G. GRCh37 (hg19) VCF-style: chr11-6661052-A-G.
Other names: short protein forms L598P.
Identifiers: ClinVar variation 1718878 (VCV001718878.5), dbSNP rs2493839790, ClinGen allele CA379429722.